The following is an entry in ClinVar:

NC_000004.11:g.(?_55094349)_(55604723_?)del

Genes: KIT (KIT proto-oncogene, receptor tyrosine kinase; plus strand), PDGFRA (platelet derived growth factor receptor alpha; plus strand). Cytogenetic location: 4q12.
Variant type: Deletion.
Identifiers: ClinVar variation 3246594 (VCV003246594.1).

ClinVar aggregate classification (germline): Uncertain significance (1 of 4 stars; one submission).

Conditions:
Gastrointestinal stromal tumor. Also called: Gastrointestinal stromal tumor, somatic; Gastrointestinal stroma tumor. Identifiers: Orphanet 44890, MedGen C0238198, MeSH D046152, MONDO:0011719, OMIM 606764, HP:0100723.

Submission:

Labcorp Genetics (formerly Invitae), Labcorp
Classification: Uncertain significance for Gastrointestinal stromal tumor. Last evaluated: 2023-03-07. Review status: criteria provided, single submitter. Criteria: Invitae Variant Classification Sherloc (09022015). Collection method: clinical testing. Allele origin: unknown.
Comment: In summary, the available evidence is currently insufficient to determine the role of this variant in disease. Therefore, it has been classified as a Variant of Uncertain Significance. Experimental studies and prediction algorithms are not available or were not evaluated, and the functional significance of this variant is currently unknown. This variant has not been reported in the literature in individuals affected with PDGFRA-related conditions. A gross deletion of the genomic region encompassing the full coding sequence of the PDGFRA gene has been identified. The current clinical and genetic evidence is not sufficient to establish whether loss-of-function variants in PDGFRA cause disease. The boundaries of this event are unknown as they extend beyond the assayed region for this gene and therefore may encompass additional genes.